The following is an entry in ClinVar:

ClinVar aggregate classification (germline): Uncertain significance (1 of 4 stars; one submission).

Conditions:
Aicardi-Goutieres syndrome 2. Identifiers: Orphanet 51, MedGen C3489724, MONDO:0012429, OMIM 610181.

Allele frequency attached by ClinVar (database versions not stated): gnomAD 0.00001; gnomAD exomes 0.00001 and 0.00007; ExAC 0.00017.
gnomAD v4.1: 15 of 1,460,054 alleles (0.001%); highest among the groups gnomAD compares: South Asian, 0.015%; 1 homozygote.

Submission:

Labcorp Genetics (formerly Invitae), Labcorp
Classification: Uncertain significance for Aicardi-Goutieres syndrome 2. Last evaluated: 2024-02-17. Review status: criteria provided, single submitter. Criteria: Invitae Variant Classification Sherloc (09022015). Collection method: clinical testing. Allele origin: germline.
Comment: This sequence change replaces histidine, which is basic and polar, with tyrosine, which is neutral and polar, at codon 16 of the RNASEH2B protein (p.His16Tyr). This variant is present in population databases (rs763103642, gnomAD 0.03%), including at least one homozygous and/or hemizygous individual. This variant has not been reported in the literature in individuals affected with RNASEH2B-related conditions. ClinVar contains an entry for this variant (Variation ID: 1442549). Algorithms developed to predict the effect of missense changes on protein structure and function output the following: SIFT: "Not Available"; PolyPhen-2: "Benign"; Align-GVGD: "Not Available". The tyrosine amino acid residue is found in multiple mammalian species, which suggests that this missense change does not adversely affect protein function. In summary, the available evidence is currently insufficient to determine the role of this variant in disease. Therefore, it has been classified as a Variant of Uncertain Significance.

NM_024570.4(RNASEH2B):c.46C>T (p.His16Tyr)

Genes: RNASEH2B (ribonuclease H2 subunit B; plus strand), RNASEH2B-AS1 (RNASEH2B antisense RNA 1; minus strand), LOC130009810 (ATAC-STARR-seq lymphoblastoid silent region 5362; plus strand). Cytogenetic location: 13q14.3.
Variant type: single nucleotide variant.
Coding change: c.46C>T on transcript NM_024570.4 (MANE Select); coding-DNA position 46, C replaced by T.
Protein change: p.His16Tyr; replaces histidine 16 with tyrosine.
Molecular consequence: missense variant.
Genome position (GRCh38, 1-based): chr13:50,910,122, C>T. VCF-style: chr13-50910122-C-T. GRCh37 (hg19) VCF-style: chr13-51484258-C-T.
Other names: c.46C>T, p.His16Tyr (NM_001142279.2); short protein forms H16Y.
Identifiers: ClinVar variation 1442549 (VCV001442549.7), dbSNP rs763103642, ClinGen allele CA6985422.